The following is an entry in ClinVar:

ClinVar aggregate classification (germline): Pathogenic (1 of 4 stars; one submission).

Conditions:
RYR1-related disorder. Also called: RYR1-related condition; RYR1-related disorders. Identifiers: MedGen CN239331.

Submission:

Labcorp Genetics (formerly Invitae), Labcorp
Classification: Pathogenic for RYR1-related disorder. Last evaluated: 2025-12-17. Review status: criteria provided, single submitter. Criteria: Invitae Variant Classification Sherloc (09022015). Collection method: clinical testing. Allele origin: germline.
Comment: This sequence change creates a premature translational stop signal (p.Ala4350Argfs*25) in the RYR1 gene. It is expected to result in an absent or disrupted protein product. Loss-of-function variants in RYR1 are known to be pathogenic (PMID: 23919265, 25960145, 28818389, 30611313). This variant is not present in population databases (gnomAD no frequency). This variant has not been reported in the literature in individuals affected with RYR1-related conditions. For these reasons, this variant has been classified as Pathogenic.

Literature cited by the submitters: PubMed 23919265; PubMed 25960145; PubMed 28818389; PubMed 30611313.

NM_000540.3(RYR1):c.13048del (p.Ala4350fs)

Gene: RYR1 (ryanodine receptor 1; plus strand). Cytogenetic location: 19q13.2.
Variant type: Deletion.
Coding change: c.13048del on transcript NM_000540.3 (MANE Select); coding-DNA position 13048, one base deleted (G; older notation c.13048delG).
Protein change: p.Ala4350fs; shifts the reading frame from alanine 4350.
Molecular consequence: frameshift variant.
Genome position (GRCh38, 1-based): chr19:38,565,382, G deleted; the last of 5 consecutive G bases (chr19:38,565,378-38,565,382); deleting any one gives the same sequence. VCF-style (leftmost placement, unchanged base first): chr19-38565377-CG-C. GRCh37 (hg19) VCF-style: chr19-39056017-CG-C.
Other names: c.13033del, p.Ala4345fs (NM_001042723.2); short protein forms A4350fs, A4345fs.
Identifiers: ClinVar variation 4761653 (VCV004761653.1).